The following is an entry in ClinVar:

ClinVar aggregate classification (germline): Uncertain significance (1 of 4 stars; one submission).

Conditions:
COG5-congenital disorder of glycosylation. Also called: CDG IIi; CONGENITAL DISORDER OF GLYCOSYLATION, TYPE IIi; COG5-CDG. Identifiers: Orphanet 263487, MedGen C3150876, MONDO:0013325, OMIM 613612.

Allele frequency attached by ClinVar (database versions not stated): TOPMed 0.00003; gnomAD 0.00004; gnomAD exomes 0.00004; ExAC 0.00005; ESP Exome Variant Server 0.00008.
gnomAD v4.1: 59 of 1,550,124 alleles (0.0038%); highest among the groups gnomAD compares: Non-Finnish European, 0.0051%; no homozygotes.

Submissions (3):

Labcorp Genetics (formerly Invitae), Labcorp
Classification: Uncertain significance for COG5-congenital disorder of glycosylation. Last evaluated: 2025-12-16. Review status: criteria provided, single submitter. Criteria: Invitae Variant Classification Sherloc (09022015). Collection method: clinical testing. Allele origin: germline.
Comment: This sequence change falls in intron 14 of the COG5 gene. It does not directly change the encoded amino acid sequence of the COG5 protein. It affects a nucleotide within the consensus splice site. This variant is present in population databases (rs370554668, gnomAD 0.006%). This variant has not been reported in the literature in individuals affected with COG5-related conditions. ClinVar contains an entry for this variant (Variation ID: 2083940). Variants that disrupt the consensus splice site are a relatively common cause of aberrant splicing (PMID: 17576681, 9536098). Algorithms developed to predict the effect of sequence changes on RNA splicing suggest that this variant is not likely to affect RNA splicing. In summary, the available evidence is currently insufficient to determine the role of this variant in disease. Therefore, it has been classified as a Variant of Uncertain Significance.

Dr. Peter K. Rogan Lab, Western University
No classification provided (evidence only). Condition: Clear cell carcinoma of kidney. Review status: no classification provided. Collection method: in vitro. Allele origin: not applicable. Functional consequence: skipped exon. Not counted in ClinVar's aggregate classification.

Dr. Peter K. Rogan Lab, Western University
No classification provided (evidence only). Condition: Gastric cancer. Review status: no classification provided. Collection method: in vitro. Allele origin: not applicable. Functional consequence: retained intron. Not counted in ClinVar's aggregate classification.

Literature cited by the submitters: PubMed 17576681 (cited by Labcorp Genetics (formerly Invitae), Labcorp); PubMed 9536098 (cited by Labcorp Genetics (formerly Invitae), Labcorp).

NM_006348.5(COG5):c.1576-3C>T

Genes: COG5 (component of oligomeric golgi complex 5; minus strand), LOC129389837 (MPRA-validated peak6677 silencer; plus strand). Cytogenetic location: 7q22.3.
Variant type: single nucleotide variant.
Coding change: c.1576-3C>T on transcript NM_006348.5 (MANE Select); 3 bases into the intron before coding-DNA position 1576, C replaced by T.
Molecular consequence: intron variant.
Genome position (GRCh38, 1-based): chr7:107,258,386, G>A on the plus strand (C>T on the coding strand, the complement: COG5 is on the minus strand). VCF-style: chr7-107258386-G-A. GRCh37 (hg19) VCF-style: chr7-106898831-G-A.
Other names: c.1576-3C>T (NM_001161520.2, NM_181733.4, NM_001379514.1 and 1 more transcripts); c.862-3C>T (NM_001379516.1); c.1006-3C>T (NM_001379515.1); c.1414-3C>T (NM_001379511.1); c.1576-9887C>T (NM_001379512.1).
Identifiers: ClinVar variation 2083940 (VCV002083940.3), dbSNP rs370554668, ClinGen allele CA4430856.